The following is an entry in ClinVar:

NM_005097.4(LGI1):c.862C>T (p.Pro288Ser)

Gene: LGI1 (leucine rich glioma inactivated 1; plus strand). Cytogenetic location: 10q23.33.
Variant type: single nucleotide variant.
Coding change: c.862C>T on transcript NM_005097.4 (MANE Select); coding-DNA position 862, C replaced by T.
Protein change: p.Pro288Ser; replaces proline 288 with serine.
Molecular consequence: missense variant. On other transcripts: non-coding transcript variant (1), intron variant (1).
Genome position (GRCh38, 1-based): chr10:93,796,991, C>T. VCF-style: chr10-93796991-C-T. GRCh37 (hg19) VCF-style: chr10-95556748-C-T.
Other names: c.718C>T, p.Pro240Ser (NM_001308276.2); c.839-758C>T (NM_001308275.2); short protein forms P240S, P288S.
Identifiers: ClinVar variation 1047808 (VCV001047808.48), dbSNP rs2059985791, ClinGen allele CA377626236.
Genomic context (GRCh38, chr10:93,796,991, plus strand): 5'-TGGCCACACAACTAATCTCTCCTTTGTCTTTTCCCAGGCACATCCACTGTAGTATGCAAG[C>T]CTATAGTCATTGAAACTCAGCTCTATGTTATTGTGGCCCAGCTGTTTGGTGGCTCTCACA-3'
Protein context (NP_005088.1, residues 278-298): ITGTSTVVCK[Pro288Ser]IVIETQLYVI

ClinVar aggregate classification (germline): Uncertain significance (1 of 4 stars; one submission).

Conditions:
Autosomal dominant epilepsy with auditory features. Identifiers: Orphanet 101046, MedGen C1838062, MONDO:0010898.

Allele frequency attached by ClinVar (database versions not stated): gnomAD exomes 0.00001.
gnomAD v4.1: 3 of 1,613,908 alleles (0.00019%); highest among the groups gnomAD compares: Non-Finnish European, 0.00025%; no homozygotes.

Submission:

Labcorp Genetics (formerly Invitae), Labcorp
Classification: Uncertain significance for Autosomal dominant epilepsy with auditory features. Last evaluated: 2022-06-13. Review status: criteria provided, single submitter. Criteria: Invitae Variant Classification Sherloc (09022015). Collection method: clinical testing. Allele origin: germline.
Comment: In summary, the available evidence is currently insufficient to determine the role of this variant in disease. Therefore, it has been classified as a Variant of Uncertain Significance. Algorithms developed to predict the effect of missense changes on protein structure and function (SIFT, PolyPhen-2, Align-GVGD) all suggest that this variant is likely to be disruptive. ClinVar contains an entry for this variant (Variation ID: 1047808). This variant has not been reported in the literature in individuals affected with LGI1-related conditions. This variant is not present in population databases (gnomAD no frequency). This sequence change replaces proline, which is neutral and non-polar, with serine, which is neutral and polar, at codon 288 of the LGI1 protein (p.Pro288Ser).